The following is an entry in ClinVar:

ClinVar aggregate classification (germline): Uncertain significance (1 of 4 stars; one submission).

gnomAD v4.1: 3 of 1,614,248 alleles (0.00019%); highest among the groups gnomAD compares: Middle Eastern, 0.016%; no homozygotes.

Submission:

CeGaT Center for Human Genetics Tuebingen
Classification: Uncertain significance. Last evaluated: 2026-01-01. Review status: criteria provided, single submitter. Criteria: CeGaT Center For Human Genetics Tuebingen Variant Classification Criteria Version 2. Collection method: clinical testing. Allele origin: germline. Affected: yes. Observed: 1 variant allele.
Comment: TRPM3: PM2:Supporting, BP4

NM_001366145.2(TRPM3):c.1938C>T (p.Phe646=)

Gene: TRPM3 (transient receptor potential cation channel subfamily M member 3; minus strand). Cytogenetic location: 9q21.12.
Variant type: single nucleotide variant.
Coding change: c.1938C>T on transcript NM_001366145.2 (MANE Select); coding-DNA position 1938, C replaced by T.
Protein change: p.Phe646=; no amino-acid change (phenylalanine 646 retained).
Molecular consequence: synonymous variant.
Genome position (GRCh38, 1-based): chr9:70,620,267, G>A on the plus strand (C>T on the coding strand, the complement: TRPM3 is on the minus strand). VCF-style: chr9-70620267-G-A. GRCh37 (hg19) VCF-style: chr9-73235183-G-A.
Other names: c.1902C>T, p.Phe634= (NM_001007471.4, NM_001366151.2); c.1908C>T, p.Phe636= (NM_001366141.2, NM_001366143.2, NM_001366149.2); c.1944C>T, p.Phe648= (NM_001366142.2); c.1938C>T, p.Phe646= (NM_001366146.2); c.2013C>T, p.Phe671= (NM_001366147.2, NM_001366152.2); c.1983C>T, p.Phe661= (NM_001366148.2); c.1872C>T, p.Phe624= (NM_001366150.2); c.1479C>T, p.Phe493= (NM_001366154.2, NM_024971.7); and 5 more.
Identifiers: ClinVar variation 4822457 (VCV004822457.4).
Genomic context (GRCh38, chr9:70,620,267, plus strand): 5'-GAACAGGGCCATCTTCTGCCGCTTCATGAGAACAGCCCACACCATGAGCTCATGGAAAGG[G>A]AAGGGGAAGTGGTTGATCTCAGGATCATCCAAGTCAATGTCCACCTCTTCTTCACGTTTC-3'
Protein context (NP_001353074.1, residues 636-656): LDDPEINHFP[Phe646=]PFHELMVWAV